The following is an entry in ClinVar:

NM_015001.3(SPEN):c.3158A>G (p.Lys1053Arg)

Gene: SPEN (spen family transcriptional repressor; plus strand). Cytogenetic location: 1p36.13.
Variant type: single nucleotide variant.
Coding change: c.3158A>G on transcript NM_015001.3 (MANE Select); coding-DNA position 3158, A replaced by G.
Protein change: p.Lys1053Arg; replaces lysine 1053 with arginine.
Molecular consequence: missense variant.
Genome position (GRCh38, 1-based): chr1:15,929,398, A>G. VCF-style: chr1-15929398-A-G. GRCh37 (hg19) VCF-style: chr1-16255893-A-G.
Other names: short protein forms K1053R.
Identifiers: ClinVar variation 4173481 (VCV004173481.5).
Genomic context (GRCh38, chr1:15,929,398, plus strand): 5'-GAGAGGCTGAAAGAAAGCCTGTGAGGAAAGAAATTCTTAAAAGAGAATCTAAAAAAATCA[A>G]ACTGGACAGACTTAATACTGTTGCCAGCCCCAAAGACTGTCAGGAGCTTGCCAGTATTTC-3'
Protein context (NP_055816.2, residues 1043-1063): EILKRESKKI[Lys1053Arg]LDRLNTVASP

ClinVar aggregate classification (germline): Conflicting classifications of pathogenicity. Review status: criteria provided, conflicting classifications (1 of 4 stars). 2 submissions from 2 submitters: Uncertain significance (1); Likely benign (1). Last evaluated 2026-01-01.

Conditions:
Inborn genetic diseases. Identifiers: MedGen C0950123, MeSH D030342.

gnomAD v4.1: 93 of 1,613,274 alleles (0.0058%); highest among the groups gnomAD compares: Non-Finnish European, 0.0076%; no homozygotes.

Submissions (2):

CeGaT Center for Human Genetics Tuebingen
Classification: Likely benign. Last evaluated: 2026-01-01. Review status: criteria provided, single submitter. Criteria: CeGaT Center For Human Genetics Tuebingen Variant Classification Criteria Version 2. Collection method: clinical testing. Allele origin: germline. Affected: yes. Observed: 1 variant allele.
Comment: SPEN: BP4, BS2

Ambry Genetics
Classification: Uncertain significance for Inborn genetic diseases. Last evaluated: 2025-08-07. Review status: criteria provided, single submitter. Criteria: Ambry Variant Classification Scheme 2023. Collection method: clinical testing. Allele origin: germline.